The following is an entry in ClinVar:

NM_024757.5(EHMT1):c.642+22C>T

Gene: EHMT1 (euchromatic histone lysine methyltransferase 1; plus strand). Cytogenetic location: 9q34.3.
Variant type: single nucleotide variant.
Coding change: c.642+22C>T on transcript NM_024757.5 (MANE Select); 22 bases into the intron after coding-DNA position 642, C replaced by T.
Molecular consequence: intron variant.
Genome position (GRCh38, 1-based): chr9:137,717,204, C>T. VCF-style: chr9-137717204-C-T. GRCh37 (hg19) VCF-style: chr9-140611656-C-T.
Other names: c.642+22C>T (NM_001354263.2, NM_001145527.2, NM_001354611.2); c.549+22C>T (NM_001354259.2, NM_001354612.2).
Identifiers: ClinVar variation 2659835 (VCV002659835.24), dbSNP rs138785890, ClinGen allele CA201802741.

ClinVar aggregate classification (germline): Likely benign (1 of 4 stars; one submission).

gnomAD v4.1: 14 of 1,609,660 alleles (0.00087%); highest among the groups gnomAD compares: Non-Finnish European, 0.0011%; no homozygotes.

Submission:

CeGaT Center for Human Genetics Tuebingen
Classification: Likely benign. Last evaluated: 2022-07-01. Review status: criteria provided, single submitter. Criteria: CeGaT Center For Human Genetics Tuebingen Variant Classification Criteria Version 2. Collection method: clinical testing. Allele origin: germline. Affected: yes. Observed: 1 variant allele.
Comment: EHMT1: BP4